The following is an entry in ClinVar:

NM_000137.4(FAH):c.554-20T>G

Gene: FAH (fumarylacetoacetate hydrolase; plus strand). Cytogenetic location: 15q25.1.
Variant type: single nucleotide variant.
Coding change: c.554-20T>G on transcript NM_000137.4 (MANE Select); 20 bases into the intron before coding-DNA position 554, T replaced by G.
Molecular consequence: intron variant.
Genome position (GRCh38, 1-based): chr15:80,168,244, T>G. VCF-style: chr15-80168244-T-G. GRCh37 (hg19) VCF-style: chr15-80460586-T-G.
Other names: p.?; c.554-20T>G (NM_001374377.1, NM_001374380.1).
Identifiers: ClinVar variation 382952 (VCV000382952.14), dbSNP rs199501793, ClinGen allele CA7691237.
Genomic context (GRCh38, chr15:80,168,244, plus strand): 5'-CCAGCTCTCTGTTCCCACACAGAGAGTTCTGTGGCCTCACTCACAGCACCGTTTTTTTTT[T>G]TTTTCTGGTGTTATTCCAGCTAAGCCTCCCGTATATGGTGCCTGCAAGCTCTTGGACATG-3'

ClinVar aggregate classification (germline): Benign/Likely benign. Review status: criteria provided, multiple submitters, no conflicts (2 of 4 stars). 5 submissions from 5 submitters: Benign (1); Likely benign (3). 1 of the submissions does not count toward it. Last evaluated 2026-01-28.

Conditions:
Tyrosinemia type I (TYRSN1). Also called: Deficiency of fumarylacetoacetase; HEPATORENAL TYROSINEMIA; Tyrosinemia type 1; Fumarylacetoacetase deficiency; FAH DEFICIENCY. Identifiers: Orphanet 882, MedGen C0268490, MONDO:0010161, OMIM 276700. Disease mechanism: loss of function.

Allele frequency attached by ClinVar (database versions not stated): 1000 Genomes Project 30x 0.00125; 1000 Genomes Project 0.00140; ExAC 0.00207; gnomAD exomes 0.00249 and 0.00367; gnomAD 0.00262 and 0.00272; TOPMed 0.00318; ESP Exome Variant Server 0.00377.
gnomAD v4.1: 5,733 of 1,611,210 alleles (0.36%); highest among the groups gnomAD compares: Non-Finnish European, 0.43%; 13 homozygotes.

Submissions (9):

Labcorp Genetics (formerly Invitae), Labcorp
Classification: Benign for Tyrosinemia type I. Last evaluated: 2026-01-28. Review status: criteria provided, single submitter. Criteria: Invitae Variant Classification Sherloc (09022015). Collection method: clinical testing. Allele origin: germline.

Mayo Clinic Laboratories, Mayo Clinic
Classification: Likely benign. Last evaluated: 2025-08-25. Review status: criteria provided, single submitter. Criteria: ACMG Guidelines, 2015. Collection method: clinical testing. Allele origin: germline. Observed: 5 variant alleles.
Comment: BS1, BP4, BP7

Blueprint Genetics
Classification: Likely benign. Last evaluated: 2024-11-26. Review status: criteria provided, single submitter. Criteria: ACMG Guidelines, 2015. Collection method: clinical testing. Allele origin: germline.

GeneDx
Classification: Likely benign. Last evaluated: 2018-01-15. Review status: criteria provided, single submitter. Criteria: GeneDx Variant Classification (06012015). Collection method: clinical testing. Allele origin: germline. Affected: yes.
Comment: This variant is considered likely benign or benign based on one or more of the following criteria: it is a conservative change, it occurs at a poorly conserved position in the protein, it is predicted to be benign by multiple in silico algorithms, and/or has population frequency not consistent with disease.

Natera, Inc.
Classification: Likely benign for Tyrosinemia type I. Last evaluated: 2020-09-16. Review status: no assertion criteria provided. Collection method: clinical testing. Allele origin: germline. Not counted in ClinVar's aggregate classification.

Dr. Peter K. Rogan Lab, Western University
No classification provided (evidence only). Condition: Clear cell carcinoma of kidney. Review status: no classification provided. Collection method: in vitro. Allele origin: not applicable. Functional consequence: retained intron. Not counted in ClinVar's aggregate classification.

Dr. Peter K. Rogan Lab, Western University
No classification provided (evidence only). Condition: Familial cancer of breast. Review status: no classification provided. Collection method: in vitro. Allele origin: not applicable. Functional consequence: retained intron. Not counted in ClinVar's aggregate classification.

Dr. Peter K. Rogan Lab, Western University
No classification provided (evidence only). Condition: Acute myeloid leukemia. Review status: no classification provided. Collection method: in vitro. Allele origin: not applicable. Functional consequence: retained intron. Not counted in ClinVar's aggregate classification.

Dr. Peter K. Rogan Lab, Western University
No classification provided (evidence only). Condition: Uterine corpus endometrial carcinoma. Review status: no classification provided. Collection method: in vitro. Allele origin: not applicable. Functional consequence: retained intron. Not counted in ClinVar's aggregate classification.